The following is an entry in ClinVar:

NM_014714.4(IFT140):c.1010-10C>T

Genes: IFT140 (intraflagellar transport 140; minus strand), LOC105371046 (uncharacterized LOC105371046; plus strand). Cytogenetic location: 16p13.3.
Variant type: single nucleotide variant.
Coding change: c.1010-10C>T on transcript NM_014714.4 (MANE Select); 10 bases into the intron before coding-DNA position 1010, C replaced by T.
Molecular consequence: intron variant.
Genome position (GRCh38, 1-based): chr16:1,586,285, G>A on the plus strand (C>T on the coding strand, the complement: IFT140 is on the minus strand). VCF-style: chr16-1586285-G-A. GRCh37 (hg19) VCF-style: chr16-1636286-G-A.
Identifiers: ClinVar variation 887295 (VCV000887295.16), dbSNP rs376722338, ClinGen allele CA7814455.

ClinVar aggregate classification (germline): Conflicting classifications of pathogenicity. Review status: criteria provided, conflicting classifications (1 of 4 stars). 4 submissions from 4 submitters: Uncertain significance (2); Likely benign (1). 1 of the submissions does not count toward it. Last evaluated 2025-12-30.

Conditions:
IFT140-related disorder. Also called: IFT140-related condition.
Saldino-Mainzer syndrome (SRTD9). Also called: Renal dysplasia, retinal pigmentary dystrophy, cerebellar ataxia and skeletal dysplasia; short-rib thoracic dysplasia 9 with or without polydactyly; CONORENAL SYNDROME; SHORT-RIB THORACIC DYSPLASIA 9 WITHOUT POLYDACTYLY. Identifiers: Orphanet 140969, MedGen C1849437, MONDO:0009964, OMIM 266920.

Allele frequency attached by ClinVar (database versions not stated): ExAC 0.00003; gnomAD exomes 0.00007; ESP Exome Variant Server 0.00008; TOPMed 0.00011.
gnomAD v4.1: 279 of 1,608,402 alleles (0.017%); highest among the groups gnomAD compares: Non-Finnish European, 0.023%; no homozygotes.

Submissions (4):

Labcorp Genetics (formerly Invitae), Labcorp
Classification: Likely benign for Saldino-Mainzer syndrome. Last evaluated: 2025-12-30. Review status: criteria provided, single submitter. Criteria: Invitae Variant Classification Sherloc (09022015). Collection method: clinical testing. Allele origin: germline.

Blueprint Genetics
Classification: Uncertain significance. Last evaluated: 2024-11-05. Review status: criteria provided, single submitter. Criteria: ACMG Guidelines, 2015. Collection method: clinical testing. Allele origin: germline.

Illumina Laboratory Services, Illumina
Classification: Uncertain significance for Saldino-Mainzer syndrome. Last evaluated: 2018-01-13. Review status: criteria provided, single submitter. Criteria: ICSL Variant Classification Criteria 13 December 2019. Collection method: clinical testing. Allele origin: germline.

PreventionGenetics, part of Exact Sciences
Classification: Likely benign for IFT140-related condition. Last evaluated: 2019-06-06. Review status: no assertion criteria provided. Collection method: clinical testing. Allele origin: germline. Not counted in ClinVar's aggregate classification.
Comment: This variant is classified as likely benign based on ACMG/AMP sequence variant interpretation guidelines (Richards et al. 2015 PMID: 25741868, with internal and published modifications).